The following is an entry in ClinVar:

ClinVar aggregate classification (germline): Uncertain significance (1 of 4 stars; one submission).

Conditions:
Hereditary cancer-predisposing syndrome. Also called: Hereditary Cancer Syndrome; Neoplastic Syndromes, Hereditary; Tumor predisposition; Hereditary neoplastic syndrome. Identifiers: Orphanet 140162, MedGen C0027672, MeSH D009386, MONDO:0015356.

Submission:

Ambry Genetics
Classification: Uncertain significance for Hereditary cancer-predisposing syndrome. Last evaluated: 2016-05-03. Review status: criteria provided, single submitter. Criteria: Ambry Variant Classification Scheme 2023. Collection method: clinical testing. Allele origin: germline.
Comment: The p.N1489T variant (also known as c.4466A>C), located in coding exon 30 of the SMARCA4 gene, results from an A to C substitution at nucleotide position 4466. The asparagine at codon 1489 is replaced by threonine, an amino acid with similar properties. This variant was not reported in population based cohorts in the following databases: Database of Single Nucleotide Polymorphisms (dbSNP), NHLBI Exome Sequencing Project (ESP), and 1000 Genomes Project. In the ESP, this variant was not observed in 6503 samples (13006 alleles) with coverage at this position. To date, this alteration has been detected with an allele frequency of approximately 0.003% (greater than 30000 alleles tested) in our clinical cohort. This amino acid position is highly conserved in available vertebrate species. In addition, this alteration is predicted to be tolerated by in silico analysis. Since supporting evidence is limited at this time, the clinical significance of this alteration remains unclear.

NM_003072.5(SMARCA4):c.4370A>C (p.Asn1457Thr)

Gene: SMARCA4 (SWI/SNF related BAF chromatin remodeling complex subunit ATPase 4; plus strand). Cytogenetic location: 19p13.2.
Variant type: single nucleotide variant.
Coding change: c.4370A>C on transcript NM_003072.5 (MANE Select); coding-DNA position 4370, A replaced by C.
Protein change: p.Asn1457Thr; replaces asparagine 1457 with threonine.
Molecular consequence: missense variant. On other transcripts: non-coding transcript variant (1).
Genome position (GRCh38, 1-based): chr19:11,041,506, A>C. VCF-style: chr19-11041506-A-C. GRCh37 (hg19) VCF-style: chr19-11152182-A-C.
Other names: c.4370A>C, p.Asn1457Thr (NM_001128844.3); c.4280A>C, p.Asn1427Thr (NM_001128845.2, NM_001128846.2); c.4271A>C, p.Asn1424Thr (NM_001128847.4, NM_001128848.2, NM_001374457.1); c.4466A>C, p.Asn1489Thr (NM_001128849.3, NM_001387283.1); short protein forms N1489T, N1424T, N1457T, N1427T.
Identifiers: ClinVar variation 480626 (VCV000480626.5), dbSNP rs1434396338, ClinGen allele CA404074027.